The following is an entry in ClinVar:

ClinVar aggregate classification (germline): Conflicting classifications of pathogenicity. Review status: criteria provided, conflicting classifications (1 of 4 stars). 5 submissions from 5 submitters: Uncertain significance (1); Benign (1); Likely benign (2). 1 of the submissions does not count toward it. Last evaluated 2026-08-13.

Conditions:
Cardiovascular phenotype. Identifiers: MedGen CN230736.
ZNF469-related disorder. Also called: ZNF469-related condition.

gnomAD v4.1: 42 of 1,550,334 alleles (0.0027%); highest among the groups gnomAD compares: East Asian, 0.1%; no homozygotes.

Submissions (5):

GeneDx
Classification: Uncertain significance. Last evaluated: 2026-08-13. Review status: criteria provided, single submitter. Criteria: GeneDx Variant Classification Process June 2021. Collection method: clinical testing. Allele origin: germline.
Comment: In silico analysis suggests that this missense variant does not alter protein structure/function; Has not been previously published as pathogenic or benign to our knowledge

Labcorp Genetics (formerly Invitae), Labcorp
Classification: Likely benign. Last evaluated: 2026-01-26. Review status: criteria provided, single submitter. Criteria: Invitae Variant Classification Sherloc (09022015). Collection method: clinical testing. Allele origin: germline.

Women's Health and Genetics/Laboratory Corporation of America, LabCorp
Classification: Likely benign. Last evaluated: 2025-09-02. Review status: criteria provided, single submitter. Criteria: LabCorp Variant Classification Summary - May 2015. Collection method: clinical testing. Allele origin: germline.
Comment: Variant summary: ZNF469 c.4088C>G (p.Pro1363Arg) results in a non-conservative amino acid change in the encoded protein sequence. Algorithms developed to predict the effect of missense changes on protein structure and function are either unavailable or do not agree on the potential impact of this missense change. The variant allele was found at a frequency of 0.00018 in 153742 control chromosomes, predominantly at a frequency of 0.0025 within the East Asian subpopulation in the gnomAD database. The observed variant frequency within East Asian control individuals in the gnomAD database exceeds the estimated maximal expected allele frequency for disease-causing variants in ZNF469. To our knowledge, no occurrence of c.4088C>G in individuals affected with ZNF469-related conditions and no experimental evidence demonstrating its impact on protein function have been reported. ClinVar contains an entry for this variant (Variation ID: 1641198). Based on the evidence outlined above, the variant was classified as likely benign.

Ambry Genetics
Classification: Benign for Cardiovascular phenotype. Last evaluated: 2025-03-12. Review status: criteria provided, single submitter. Criteria: Ambry Variant Classification Scheme 2023. Collection method: clinical testing. Allele origin: germline.

PreventionGenetics, part of Exact Sciences
Classification: Likely benign for ZNF469-related condition. Last evaluated: 2024-07-12. Review status: no assertion criteria provided. Collection method: clinical testing. Allele origin: germline. Not counted in ClinVar's aggregate classification.
Comment: This variant is classified as likely benign based on ACMG/AMP sequence variant interpretation guidelines (Richards et al. 2015 PMID: 25741868, with internal and published modifications).

NM_001367624.2(ZNF469):c.4088C>G (p.Pro1363Arg)

Gene: ZNF469 (zinc finger protein 469; plus strand). Cytogenetic location: 16q24.2.
Variant type: single nucleotide variant.
Coding change: c.4088C>G on transcript NM_001367624.2 (MANE Select); coding-DNA position 4088, C replaced by G.
Protein change: p.Pro1363Arg; replaces proline 1363 with arginine.
Molecular consequence: missense variant.
Genome position (GRCh38, 1-based): chr16:88,431,558, C>G. VCF-style: chr16-88431558-C-G. GRCh37 (hg19) VCF-style: chr16-88497966-C-G.
Other names: NM_001127464.1:c.4004C>G; NM_001127464.2:c.4004C>G; short protein forms P1363R.
Identifiers: ClinVar variation 1641198 (VCV001641198.15), dbSNP rs953923193, ClinGen allele CA286375599.